The following is an entry in ClinVar:

NM_052947.4(ALPK2):c.5650C>T (p.Arg1884Cys)

Gene: ALPK2 (alpha kinase 2; minus strand). Cytogenetic location: 18q21.31.
Variant type: single nucleotide variant.
Coding change: c.5650C>T on transcript NM_052947.4 (MANE Select); coding-DNA position 5650, C replaced by T.
Protein change: p.Arg1884Cys; replaces arginine 1884 with cysteine.
Molecular consequence: missense variant.
Genome position (GRCh38, 1-based): chr18:58,523,821, G>A on the plus strand (C>T on the coding strand, the complement: ALPK2 is on the minus strand). VCF-style: chr18-58523821-G-A. GRCh37 (hg19) VCF-style: chr18-56191053-G-A.
Other names: short protein forms R1884C.
Identifiers: ClinVar variation 3056134 (VCV003056134.2), dbSNP rs33969768, ClinGen allele CA8976404.

ClinVar aggregate classification (germline): Benign (0 of 4 stars; one submission).

Conditions:
ALPK2-related disorder. Also called: ALPK2-related condition.

Allele frequency attached by ClinVar (database versions not stated): 1000 Genomes Project 0.01577; 1000 Genomes Project 30x 0.01593; TOPMed 0.03256; gnomAD 0.03447; ExAC 0.03472; ESP Exome Variant Server 0.03914; gnomAD exomes 0.04686.
gnomAD v4.1: 73,328 of 1,614,060 alleles (4.5%); highest among the groups gnomAD compares: Non-Finnish European, 5.3%; 1,936 homozygotes.

Submission:

PreventionGenetics, part of Exact Sciences
Classification: Benign for ALPK2-related condition. Last evaluated: 2019-10-28. Review status: no assertion criteria provided. Collection method: clinical testing. Allele origin: germline.
Comment: This variant is classified as benign based on ACMG/AMP sequence variant interpretation guidelines (Richards et al. 2015 PMID: 25741868, with internal and published modifications).